The following is an entry in ClinVar:

NM_001330078.2(NRXN1):c.772+1103T>C

Gene: NRXN1 (neurexin 1; minus strand). Cytogenetic location: 2p16.3.
Variant type: single nucleotide variant.
Coding change: c.772+1103T>C on transcript NM_001330078.2 (MANE Select); 1103 bases into the intron after coding-DNA position 772, T replaced by C.
Molecular consequence: intron variant. On other transcripts: synonymous variant (1).
Genome position (GRCh38, 1-based): chr2:51,026,399, A>G on the plus strand (T>C on the coding strand, the complement: NRXN1 is on the minus strand). VCF-style: chr2-51026399-A-G. GRCh37 (hg19) VCF-style: chr2-51253537-A-G.
Other names: c.843T>C, p.Cys281= (NM_001135659.3); c.772+1103T>C (NM_001330096.2, NM_001330087.2, NM_001330083.2 and 14 more transcripts).
Identifiers: ClinVar variation 515950 (VCV000515950.1), dbSNP rs1553513259, ClinGen allele CA426106419.

ClinVar aggregate classification (germline): Likely benign (1 of 4 stars; one submission).

Allele frequency attached by ClinVar (database versions not stated): gnomAD 0.00001; gnomAD exomes 0.00001.
gnomAD v4.1: 4 of 1,600,414 alleles (0.00025%); highest among the groups gnomAD compares: Non-Finnish European, 0.00026%; no homozygotes.

Submission:

GeneDx
Classification: Likely benign. Last evaluated: 2018-03-08. Review status: criteria provided, single submitter. Criteria: GeneDx Variant Classification (06012015). Collection method: clinical testing. Allele origin: germline. Affected: yes.
Comment: This variant is considered likely benign or benign based on one or more of the following criteria: it is a conservative change, it occurs at a poorly conserved position in the protein, it is predicted to be benign by multiple in silico algorithms, and/or has population frequency not consistent with disease.